The following is an entry in ClinVar:

NM_001378615.1(CC2D2A):c.505C>T (p.His169Tyr)

Genes: CC2D2A (coiled-coil and C2 domain containing 2A; plus strand), FBXL5 (F-box and leucine rich repeat protein 5; minus strand). Cytogenetic location: 4p15.32.
Variant type: single nucleotide variant.
Coding change: c.505C>T on transcript NM_001378615.1 (MANE Select); coding-DNA position 505, C replaced by T.
Protein change: p.His169Tyr; replaces histidine 169 with tyrosine.
Molecular consequence: missense variant.
Genome position (GRCh38, 1-based): chr4:15,510,205, C>T. VCF-style: chr4-15510205-C-T. GRCh37 (hg19) VCF-style: chr4-15511828-C-T.
Other names: c.505C>T, p.His169Tyr (NM_001080522.2); c.358C>T, p.His120Tyr (NM_001378617.1); short protein forms H120Y, H169Y.
Identifiers: ClinVar variation 1443249 (VCV001443249.8), dbSNP rs1716491115, ClinGen allele CA356408625.
Genomic context (GRCh38, chr4:15,510,205, plus strand): 5'-AAAGAGGTAGAAAGGACTCAACAAGAAGTTGACTCCCAAAGTTACTCAAGAGTCAAGTTC[C>T]ATGATTCTGCACGAAAAATCAAGCCTAAACCCCAGGTGAGAAATCTTGTTTTTTAAAATC-3'
Protein context (NP_001365544.1, residues 159-179): DSQSYSRVKF[His169Tyr]DSARKIKPKP

ClinVar aggregate classification (germline): Uncertain significance (1 of 4 stars; one submission).

Conditions:
Joubert syndrome. Also called: JOUBERT-BOLTSHAUSER SYNDROME; Familial aplasia of the vermis. Identifiers: Orphanet 475, MedGen C5979921, MONDO:0018772.
Meckel-Gruber syndrome. Also called: DYSENCEPHALIA SPLANCHNOCYSTICA; GRUBER SYNDROME; Dysencephalia splachnocystica. Identifiers: Orphanet 564, MedGen C0265215, MONDO:0018921.

Submission:

Labcorp Genetics (formerly Invitae), Labcorp
Classification: Uncertain significance for Joubert syndrome; Meckel-Gruber syndrome. Last evaluated: 2022-09-06. Review status: criteria provided, single submitter. Criteria: Invitae Variant Classification Sherloc (09022015). Collection method: clinical testing. Allele origin: germline.
Comment: This variant has not been reported in the literature in individuals affected with CC2D2A-related conditions. In summary, the available evidence is currently insufficient to determine the role of this variant in disease. Therefore, it has been classified as a Variant of Uncertain Significance. Advanced modeling of protein sequence and biophysical properties (such as structural, functional, and spatial information, amino acid conservation, physicochemical variation, residue mobility, and thermodynamic stability) performed at Invitae indicates that this missense variant is not expected to disrupt CC2D2A protein function. ClinVar contains an entry for this variant (Variation ID: 1443249). This variant is not present in population databases (gnomAD no frequency). This sequence change replaces histidine, which is basic and polar, with tyrosine, which is neutral and polar, at codon 169 of the CC2D2A protein (p.His169Tyr).